The following is an entry in ClinVar:

NM_014975.3(MAST1):c.3076G>C (p.Glu1026Gln)

Gene: MAST1 (microtubule associated serine/threonine kinase 1; plus strand). Cytogenetic location: 19p13.13.
Variant type: single nucleotide variant.
Coding change: c.3076G>C on transcript NM_014975.3 (MANE Select); coding-DNA position 3076, G replaced by C.
Protein change: p.Glu1026Gln; replaces glutamic acid 1026 with glutamine.
Molecular consequence: missense variant.
Genome position (GRCh38, 1-based): chr19:12,870,896, G>C. VCF-style: chr19-12870896-G-C. GRCh37 (hg19) VCF-style: chr19-12981710-G-C.
Other names: short protein forms E1026Q.
Identifiers: ClinVar variation 3903311 (VCV003903311.1).

ClinVar aggregate classification (germline): Uncertain significance (1 of 4 stars; one submission).

Submission:

GeneDx
Classification: Uncertain significance. Last evaluated: 2024-12-04. Review status: criteria provided, single submitter. Criteria: GeneDx Variant Classification Process June 2021. Collection method: clinical testing. Allele origin: germline. Affected: yes.
Comment: Not observed at significant frequency in large population cohorts (gnomAD); In silico analysis supports that this missense variant has a deleterious effect on protein structure/function; Has not been previously published as pathogenic or benign to our knowledge